The following is an entry in ClinVar:

ClinVar aggregate classification (germline): Uncertain significance (1 of 4 stars; one submission).

Conditions:
Familial thoracic aortic aneurysm and aortic dissection (TAAD). Also called: Thoracic aortic aneurysms and dissections. Identifiers: Orphanet 91387, MedGen C4707243, MONDO:0019625.

Submission:

Ambry Genetics
Classification: Uncertain significance for Familial thoracic aortic aneurysm and aortic dissection. Last evaluated: 2023-12-15. Review status: criteria provided, single submitter. Criteria: Ambry Variant Classification Scheme 2023. Collection method: clinical testing. Allele origin: germline.
Comment: The p.S901N variant (also known as c.2702G>A), located in coding exon 20 of the MED12 gene, results from a G to A substitution at nucleotide position 2702. The serine at codon 901 is replaced by asparagine, an amino acid with highly similar properties. This amino acid position is conserved. In addition, this alteration is predicted to be tolerated by in silico analysis. Since supporting evidence is limited at this time, the clinical significance of this alteration remains unclear.

NM_005120.3(MED12):c.2702G>A (p.Ser901Asn)

Gene: MED12 (mediator complex subunit 12; plus strand). Cytogenetic location: Xq13.1.
Variant type: single nucleotide variant.
Coding change: c.2702G>A on transcript NM_005120.3 (MANE Select); coding-DNA position 2702, G replaced by A.
Protein change: p.Ser901Asn; replaces serine 901 with asparagine.
Molecular consequence: missense variant.
Genome position (GRCh38, 1-based): chrX:71,126,985, G>A. VCF-style: chrX-71126985-G-A. GRCh37 (hg19) VCF-style: chrX-70346835-G-A.
Other names: short protein forms S901N.
Identifiers: ClinVar variation 3224575 (VCV003224575.1), dbSNP rs2519684385, ClinGen allele CA413516056.